The following is an entry in ClinVar:

ClinVar aggregate classification (germline): Uncertain significance (1 of 4 stars; one submission).

Conditions:
Acyl-CoA oxidase deficiency. Also called: Peroxisomal acyl-CoA oxidase deficiency; STRAIGHT-CHAIN ACYL-CoA OXIDASE DEFICIENCY; Pseudoneonatal adrenoleukodystrophy. Identifiers: Orphanet 2971, MedGen C1849678, MONDO:0009919, OMIM 264470. Disease mechanism: loss of function.

Allele frequency attached by ClinVar (database versions not stated): TOPMed below 0.00001; gnomAD exomes 0.00001.
gnomAD v4.1: 13 of 1,611,856 alleles (0.00081%); highest among the groups gnomAD compares: South Asian, 0.013%; no homozygotes.

Submission:

Labcorp Genetics (formerly Invitae), Labcorp
Classification: Uncertain significance for Acyl-CoA oxidase deficiency. Last evaluated: 2021-08-27. Review status: criteria provided, single submitter. Criteria: Invitae Variant Classification Sherloc (09022015). Collection method: clinical testing. Allele origin: germline.
Comment: This sequence change replaces aspartic acid with asparagine at codon 4 of the ACOX1 protein (p.Asp4Asn). The aspartic acid residue is highly conserved and there is a small physicochemical difference between aspartic acid and asparagine. This variant is not present in population databases (ExAC no frequency). This variant has not been reported in the literature in individuals affected with ACOX1-related conditions. Algorithms developed to predict the effect of missense changes on protein structure and function are either unavailable or do not agree on the potential impact of this missense change (SIFT: "Deleterious"; PolyPhen-2: "Probably Damaging"; Align-GVGD: "Class C0"). In summary, the available evidence is currently insufficient to determine the role of this variant in disease. Therefore, it has been classified as a Variant of Uncertain Significance.

NM_004035.7(ACOX1):c.10G>A (p.Asp4Asn)

Gene: ACOX1 (acyl-CoA oxidase 1; minus strand). Cytogenetic location: 17q25.1.
Variant type: single nucleotide variant.
Coding change: c.10G>A on transcript NM_004035.7 (MANE Select); coding-DNA position 10, G replaced by A.
Protein change: p.Asp4Asn; replaces aspartic acid 4 with asparagine.
Molecular consequence: missense variant. On other transcripts: 5 prime UTR variant (1).
Genome position (GRCh38, 1-based): chr17:75,979,064, C>T on the plus strand (G>A on the coding strand, the complement: ACOX1 is on the minus strand). VCF-style: chr17-75979064-C-T. GRCh37 (hg19) VCF-style: chr17-73975145-C-T.
Other names: c.-279G>A (NM_001185039.2); c.10G>A, p.Asp4Asn (NM_007292.6); short protein forms D4N.
Identifiers: ClinVar variation 1443916 (VCV001443916.5), dbSNP rs1277336037, ClinGen allele CA401085328.